The following is an entry in ClinVar:

ClinVar aggregate classification (germline): Pathogenic (1 of 4 stars; one submission).

Conditions:
Developmental and epileptic encephalopathy, 27 (DEE27). Also called: Epileptic encephalopathy, early infantile, 27; GRIN2B-Related Neurodevelopmental Disorder. Identifiers: Orphanet 3451, MedGen C4015316, MONDO:0014505, OMIM 616139.
Intellectual developmental disorder, autosomal dominant 6, with or without seizures. Also called: Intellectual disability, autosomal dominant 6; GRIN2B-related developmental delay, intellectual disability and autism spectrum disorder. Identifiers: Orphanet 589547, MedGen C3151411, MONDO:0013509, OMIM 613970.

Submission:

Labcorp Genetics (formerly Invitae), Labcorp
Classification: Pathogenic for Developmental and epileptic encephalopathy, 27; Intellectual developmental disorder, autosomal dominant 6, with or without seizures. Last evaluated: 2024-05-23. Review status: criteria provided, single submitter. Criteria: Invitae Variant Classification Sherloc (09022015). Collection method: clinical testing. Allele origin: germline.
Comment: This sequence change creates a premature translational stop signal (p.Glu790*) in the GRIN2B gene. It is expected to result in an absent or disrupted protein product. Loss-of-function variants in GRIN2B are known to be pathogenic (PMID: 28377535). This variant is not present in population databases (gnomAD no frequency). This variant has not been reported in the literature in individuals affected with GRIN2B-related conditions. For these reasons, this variant has been classified as Pathogenic.

Literature cited by the submitters: PubMed 28377535.

NM_000834.5(GRIN2B):c.2368G>T (p.Glu790Ter)

Gene: GRIN2B (glutamate ionotropic receptor NMDA type subunit 2B; minus strand). Cytogenetic location: 12p13.1.
Variant type: single nucleotide variant.
Coding change: c.2368G>T on transcript NM_000834.5 (MANE Select); coding-DNA position 2368, G replaced by T.
Protein change: p.Glu790Ter; replaces glutamic acid 790 with a stop codon.
Molecular consequence: nonsense.
Genome position (GRCh38, 1-based): chr12:13,567,255, C>A on the plus strand (G>T on the coding strand, the complement: GRIN2B is on the minus strand). VCF-style: chr12-13567255-C-A. GRCh37 (hg19) VCF-style: chr12-13720189-C-A.
Other names: c.2368G>T, p.Glu790Ter (NM_001413992.1); short protein forms E790*.
Identifiers: ClinVar variation 3756507 (VCV003756507.2).